The following is an entry in ClinVar:

NC_000017.10:g.(?_34890813)_(34895153_?)dup

Genes: MYO19 (myosin XIX; minus strand), PIGW (phosphatidylinositol glycan anchor biosynthesis class W; plus strand). Cytogenetic location: 17q12.
Variant type: Duplication.
Identifiers: ClinVar variation 4526105 (VCV004526105.1).

ClinVar aggregate classification (germline): Uncertain significance (1 of 4 stars; one submission).

Submission:

Women's Health and Genetics/Laboratory Corporation of America, LabCorp
Classification: Uncertain significance. Last evaluated: 2025-07-29. Review status: criteria provided, single submitter. Criteria: LabCorp Variant Classification Summary - May 2015. Collection method: clinical testing. Allele origin: germline.
Comment: Variant summary: The variant involves the duplication of exons 1-2 in the PIGW gene. A presumed nomenclature of c.(?_-645)_(*688_?)dup has been designated for the purposes of this classification. This duplication includes the entire coding sequence of the gene. As exact breakpoints are unknown, it may extend beyond the annotated region of the gene, to include other flanking genes. The variant was absent in 21660 control chromosomes. The available data on variant occurrences in the general population are insufficient to allow any conclusion about variant significance. To our knowledge, no occurrence of c.(?_-645)_(*688_?)dup in individuals affected with Hyperphosphatasia With Mental Retardation Syndrome 5 and no experimental evidence demonstrating its impact on protein function have been reported. ClinVar contains an entry for this variant (Variation ID: 583936). Based on the evidence outlined above, the variant was classified as uncertain significance.